The following is an entry in ClinVar:

NM_001042492.3(NF1):c.7598A>C (p.Asn2533Thr)

Gene: NF1 (neurofibromin 1; plus strand). Cytogenetic location: 17q11.2.
Variant type: single nucleotide variant.
Coding change: c.7598A>C on transcript NM_001042492.3 (MANE Select); coding-DNA position 7598, A replaced by C.
Protein change: p.Asn2533Thr; replaces asparagine 2533 with threonine.
Molecular consequence: missense variant.
Genome position (GRCh38, 1-based): chr17:31,352,397, A>C. VCF-style: chr17-31352397-A-C. GRCh37 (hg19) VCF-style: chr17-29679415-A-C.
Other names: c.7535A>C, p.Asn2512Thr (NM_000267.4); short protein forms N2512T, N2533T.
Identifiers: ClinVar variation 3634603 (VCV003634603.3).
Genomic context (GRCh38, chr17:31,352,397, plus strand): 5'-AGACCAGTCCCCGAGCCAGGAAATCCATGAGCCTGGACATGGGGCAACCTTCTCAGGCCA[A>C]CACTAAGAAGTTGCTTGGTTAGTTTATCTAAATTATGTAGATTTTTTTTATTATTTAAAA-3'
Protein context (NP_001035957.1, residues 2523-2543): SLDMGQPSQA[Asn2533Thr]TKKLLGTRKS

ClinVar aggregate classification (germline): Uncertain significance. Review status: criteria provided, multiple submitters, no conflicts (2 of 4 stars). 2 submissions from 2 submitters: Uncertain significance (2). Last evaluated 2025-07-19.

Conditions:
Cardiovascular phenotype. Identifiers: MedGen CN230736.
Hereditary cancer-predisposing syndrome. Also called: Hereditary Cancer Syndrome; Hereditary neoplastic syndrome; Neoplastic Syndromes, Hereditary; Tumor predisposition. Identifiers: Orphanet 140162, MedGen C0027672, MeSH D009386, MONDO:0015356.
Neurofibromatosis, type 1 (NF1). Also called: VON RECKLINGHAUSEN DISEASE; Peripheral type neurofibromatosis; NEUROFIBROMATOSIS, TYPE I, SOMATIC; Neurofibromatosis, type I. Identifiers: Orphanet 636, MedGen C0027831, MONDO:0018975, OMIM 162200. Disease mechanism: loss of function.

Submissions (2):

Ambry Genetics
Classification: Uncertain significance for Cardiovascular phenotype; Hereditary cancer-predisposing syndrome. Last evaluated: 2025-07-19. Review status: criteria provided, single submitter. Criteria: Ambry Variant Classification Scheme 2023. Collection method: clinical testing. Allele origin: germline.
Comment: The p.N2512T variant (also known as c.7535A>C), located in coding exon 50 of the NF1 gene, results from an A to C substitution at nucleotide position 7535. The asparagine at codon 2512 is replaced by threonine, an amino acid with similar properties. This amino acid position is conserved. In addition, this alteration is predicted to be tolerated by in silico analysis. Based on the available evidence, the clinical significance of this variant remains unclear.

Labcorp Genetics (formerly Invitae), Labcorp
Classification: Uncertain significance for Neurofibromatosis, type 1. Last evaluated: 2024-09-02. Review status: criteria provided, single submitter. Criteria: Invitae Variant Classification Sherloc (09022015). Collection method: clinical testing. Allele origin: germline.
Comment: This sequence change replaces asparagine, which is neutral and polar, with threonine, which is neutral and polar, at codon 2512 of the NF1 protein (p.Asn2512Thr). This variant is present in population databases (rs745846526, gnomAD 0.0009%). This variant has not been reported in the literature in individuals affected with NF1-related conditions. Invitae Evidence Modeling of protein sequence and biophysical properties (such as structural, functional, and spatial information, amino acid conservation, physicochemical variation, residue mobility, and thermodynamic stability) has been performed for this missense variant. However, the output from this modeling did not meet the statistical confidence thresholds required to predict the impact of this variant on NF1 protein function. In summary, the available evidence is currently insufficient to determine the role of this variant in disease. Therefore, it has been classified as a Variant of Uncertain Significance.